The following is an entry in ClinVar:

NM_005228.5(EGFR):c.628+3A>T

Gene: EGFR (epidermal growth factor receptor; plus strand). Cytogenetic location: 7p11.2.
Variant type: single nucleotide variant.
Coding change: c.628+3A>T on transcript NM_005228.5 (MANE Select); 3 bases into the intron after coding-DNA position 628, A replaced by T.
Molecular consequence: intron variant.
Genome position (GRCh38, 1-based): chr7:55,151,365, A>T. VCF-style: chr7-55151365-A-T. GRCh37 (hg19) VCF-style: chr7-55219058-A-T.
Other names: c.493+3A>T (NM_001346899.2, NM_001346897.2); c.89-4465A>T (NM_001346941.2); c.628+3A>T (NM_001346898.2, NM_201284.2, NM_201282.2 and 1 more transcripts); c.469+3A>T (NM_001346900.2).
Identifiers: ClinVar variation 5035809 (VCV005035809.1).

ClinVar aggregate classification (germline): Uncertain significance (1 of 4 stars; one submission).

Conditions:
Hereditary cancer-predisposing syndrome. Also called: Hereditary Cancer Syndrome; Neoplastic Syndromes, Hereditary; Tumor predisposition; Hereditary neoplastic syndrome. Identifiers: Orphanet 140162, MedGen C0027672, MeSH D009386, MONDO:0015356.

Submission:

Ambry Genetics
Classification: Uncertain significance for Hereditary cancer-predisposing syndrome. Last evaluated: 2026-07-29. Review status: criteria provided, single submitter. Criteria: Ambry Variant Classification Scheme 2023. Collection method: clinical testing. Allele origin: germline.
Comment: The c.628+3A>T intronic variant results from an A to T substitution 3 nucleotides after coding exon 5 in the EGFR gene. This nucleotide position is not well conserved in available vertebrate species. In silico splice site analysis predicts that this alteration will weaken the native splice donor site. Based on the available evidence, the clinical significance of this variant remains unclear.